The following is an entry in ClinVar:

NM_001009999.3(KDM1A):c.1218T>A (p.Phe406Leu)

Gene: KDM1A (lysine demethylase 1A; plus strand). Cytogenetic location: 1p36.12.
Variant type: single nucleotide variant.
Coding change: c.1218T>A on transcript NM_001009999.3 (MANE Select); coding-DNA position 1218, T replaced by A.
Protein change: p.Phe406Leu; replaces phenylalanine 406 with leucine.
Molecular consequence: missense variant.
Genome position (GRCh38, 1-based): chr1:23,068,577, T>A. VCF-style: chr1-23068577-T-A. GRCh37 (hg19) VCF-style: chr1-23395070-T-A.
Other names: c.1146T>A, p.Phe382Leu (NM_001363654.2, NM_001410763.1, NM_015013.4); c.1206T>A, p.Phe402Leu (NM_001410762.1); short protein forms F382L, F402L, F406L.
Identifiers: ClinVar variation 2832654 (VCV002832654.3), dbSNP rs2522773519, ClinGen allele CA338964565.
Genomic context (GRCh38, chr1:23,068,577, plus strand): 5'-CTGCTATACTTCGGATTTTCAGGTTCCTAAAGAGAAAGATGAAATGGTAGAGCAAGAGTT[T>A]AACCGGTTGCTAGAAGCTACATCTTACCTTAGTCATCAACTAGACTTCAATGTCCTCAAT-3'
Protein context (NP_001009999.1, residues 396-416): KEKDEMVEQE[Phe406Leu]NRLLEATSYL

ClinVar aggregate classification (germline): Uncertain significance (1 of 4 stars; one submission).

Submission:

Labcorp Genetics (formerly Invitae), Labcorp
Classification: Uncertain significance. Last evaluated: 2023-01-28. Review status: criteria provided, single submitter. Criteria: Invitae Variant Classification Sherloc (09022015). Collection method: clinical testing. Allele origin: germline.
Comment: This variant has not been reported in the literature in individuals affected with KDM1A-related conditions. In summary, the available evidence is currently insufficient to determine the role of this variant in disease. Therefore, it has been classified as a Variant of Uncertain Significance. Advanced modeling of protein sequence and biophysical properties (such as structural, functional, and spatial information, amino acid conservation, physicochemical variation, residue mobility, and thermodynamic stability) performed at Invitae indicates that this missense variant is expected to disrupt KDM1A protein function. This variant is not present in population databases (gnomAD no frequency). This sequence change replaces phenylalanine, which is neutral and non-polar, with leucine, which is neutral and non-polar, at codon 406 of the KDM1A protein (p.Phe406Leu).